The following is an entry in ClinVar:

NM_000541.5(SAG):c.1167T>A (p.Asp389Glu)

Gene: SAG (S-antigen visual arrestin; plus strand). Cytogenetic location: 2q37.1.
Variant type: single nucleotide variant.
Coding change: c.1167T>A on transcript NM_000541.5 (MANE Select); coding-DNA position 1167, T replaced by A.
Protein change: p.Asp389Glu; replaces aspartic acid 389 with glutamic acid.
Molecular consequence: missense variant.
Genome position (GRCh38, 1-based): chr2:233,346,861, T>A. VCF-style: chr2-233346861-T-A. GRCh37 (hg19) VCF-style: chr2-234255507-T-A.
Other names: short protein forms D389E.
Identifiers: ClinVar variation 335073 (VCV000335073.21), dbSNP rs199798289, ClinGen allele CA2174715.

ClinVar aggregate classification (germline): Conflicting classifications of pathogenicity. Review status: criteria provided, conflicting classifications (1 of 4 stars). 7 submissions from 6 submitters: Uncertain significance (4); Likely benign (1). 2 of the submissions do not count toward it. Last evaluated 2026-01-15.

Conditions:
Retinitis pigmentosa (RP). Identifiers: Orphanet 791, MedGen C0035334, MeSH D012174, MONDO:0019200, OMIM 268000. Inheritance: Autosomal dominant, autosomal recessive and X linked inheritance.
Oguchi disease. Also called: Oguchi's disease. Identifiers: Orphanet 75382, MedGen C1306122, MONDO:0019152.

Allele frequency attached by ClinVar (database versions not stated): ESP Exome Variant Server 0.00016; gnomAD 0.00019; TOPMed 0.00025; 1000 Genomes Project 0.00120; 1000 Genomes Project 30x 0.00125.
gnomAD v4.1: 166 of 1,613,198 alleles (0.01%); highest among the groups gnomAD compares: East Asian, 0.12%; no homozygotes.

Submissions (7):

Labcorp Genetics (formerly Invitae), Labcorp
Classification: Uncertain significance. Last evaluated: 2026-01-15. Review status: criteria provided, single submitter. Criteria: Invitae Variant Classification Sherloc (09022015). Collection method: clinical testing. Allele origin: germline.
Comment: This sequence change replaces aspartic acid, which is acidic and polar, with glutamic acid, which is acidic and polar, at codon 389 of the SAG protein (p.Asp389Glu). This variant is present in population databases (rs199798289, gnomAD 0.1%). This variant has not been reported in the literature in individuals affected with SAG-related conditions. ClinVar contains an entry for this variant (Variation ID: 335073). An algorithm developed to predict the effect of missense changes on protein structure and function (PolyPhen-2) suggests that this variant is likely to be tolerated. In summary, the available evidence is currently insufficient to determine the role of this variant in disease. Therefore, it has been classified as a Variant of Uncertain Significance.

Blueprint Genetics
Classification: Likely benign. Last evaluated: 2024-10-22. Review status: criteria provided, single submitter. Criteria: ACMG Guidelines, 2015. Collection method: clinical testing. Allele origin: germline.

Illumina Laboratory Services, Illumina
Classification: Uncertain significance for Oguchi disease-1. Last evaluated: 2018-01-12. Review status: criteria provided, single submitter. Criteria: ICSL Variant Classification Criteria 13 December 2019. Collection method: clinical testing. Allele origin: germline.

Illumina Laboratory Services, Illumina
Classification: Uncertain significance for Retinitis pigmentosa. Last evaluated: 2018-01-12. Review status: criteria provided, single submitter. Criteria: ICSL Variant Classification Criteria 13 December 2019. Collection method: clinical testing. Allele origin: germline.

Eurofins Ntd Llc (ga)
Classification: Uncertain significance. Last evaluated: 2016-11-21. Review status: criteria provided, single submitter. Criteria: EGL Classification Definitions 2015. Collection method: clinical testing. Allele origin: germline. Observed: 1 variant allele, 1 heterozygote.

Clinical Genetics DNA and cytogenetics Diagnostics Lab, Erasmus MC, Erasmus Medical Center
Classification: Likely benign. Review status: no assertion criteria provided. Collection method: clinical testing. Allele origin: germline. Affected: yes. Study: VKGL Data-share Consensus. Not counted in ClinVar's aggregate classification.

Clinical Genetics, Academic Medical Center
Classification: Likely benign. Review status: no assertion criteria provided. Collection method: clinical testing. Allele origin: germline. Affected: yes. Study: VKGL Data-share Consensus. Not counted in ClinVar's aggregate classification.